The following is an entry in ClinVar:

NM_006231.4(POLE):c.6748-11T>A

Gene: POLE (DNA polymerase epsilon, catalytic subunit; minus strand). Cytogenetic location: 12q24.33.
Variant type: single nucleotide variant.
Coding change: c.6748-11T>A on transcript NM_006231.4 (MANE Select); 11 bases into the intron before coding-DNA position 6748, T replaced by A.
Molecular consequence: intron variant.
Genome position (GRCh38, 1-based): chr12:132,624,821, A>T on the plus strand (T>A on the coding strand, the complement: POLE is on the minus strand). VCF-style: chr12-132624821-A-T. GRCh37 (hg19) VCF-style: chr12-133201407-A-T.
Other names: c.6748-11T>A (NM_006231.3).
Identifiers: ClinVar variation 385730 (VCV000385730.11), dbSNP rs552311764, ClinGen allele CA6891976.

ClinVar aggregate classification (germline): Benign/Likely benign. Review status: criteria provided, multiple submitters, no conflicts (2 of 4 stars). 4 submissions from 4 submitters: Benign (1); Likely benign (3). Last evaluated 2026-01-31.

Conditions:
POLE-related polyposis and colorectal cancer syndrome. Identifiers: MedGen CN324030, MONDO:0100287.

Allele frequency attached by ClinVar (database versions not stated): gnomAD below 0.00001 and 0.00005; TOPMed 0.00003; gnomAD exomes 0.00015 and 0.00028; ExAC 0.00030; 1000 Genomes Project 0.00060; 1000 Genomes Project 30x 0.00062.
gnomAD v4.1: 225 of 1,602,748 alleles (0.014%); highest among the groups gnomAD compares: South Asian, 0.22%; no homozygotes.

Submissions (4):

Labcorp Genetics (formerly Invitae), Labcorp
Classification: Benign. Last evaluated: 2026-01-31. Review status: criteria provided, single submitter. Criteria: Invitae Variant Classification Sherloc (09022015). Collection method: clinical testing. Allele origin: germline.

Blueprint Genetics
Classification: Likely benign. Last evaluated: 2024-11-27. Review status: criteria provided, single submitter. Criteria: ACMG Guidelines, 2015. Collection method: clinical testing. Allele origin: germline.

Department of Pathology and Laboratory Medicine, Sinai Health System
Classification: Likely benign for POLE-related polyposis and colorectal cancer syndrome. Last evaluated: 2021-02-05. Review status: criteria provided, single submitter. Criteria: ACMG Guidelines, 2015. Collection method: clinical testing. Allele origin: germline.

GeneDx
Classification: Likely benign. Last evaluated: 2018-02-22. Review status: criteria provided, single submitter. Criteria: GeneDx Variant Classification (06012015). Collection method: clinical testing. Allele origin: germline. Affected: yes.
Comment: This variant is considered likely benign or benign based on one or more of the following criteria: it is a conservative change, it occurs at a poorly conserved position in the protein, it is predicted to be benign by multiple in silico algorithms, and/or has population frequency not consistent with disease.